The following is an entry in ClinVar:

NM_000180.4(GUCY2D):c.2952C>A (p.Cys984Ter)

Gene: GUCY2D (guanylate cyclase 2D, retinal; plus strand). Cytogenetic location: 17p13.1.
Variant type: single nucleotide variant.
Coding change: c.2952C>A on transcript NM_000180.4 (MANE Select); coding-DNA position 2952, C replaced by A.
Protein change: p.Cys984Ter; replaces cysteine 984 with a stop codon.
Molecular consequence: nonsense.
Genome position (GRCh38, 1-based): chr17:8,015,750, C>A. VCF-style: chr17-8015750-C-A. GRCh37 (hg19) VCF-style: chr17-7919068-C-A.
Other names: short protein forms C984*.
Identifiers: ClinVar variation 2585236 (VCV002585236.4), dbSNP rs1395017892, ClinGen allele CA397955095.
Genomic context (GRCh38, chr17:8,015,750, plus strand): 5'-GTGCAGCCCAGGGCCGGCCCTGCTAGCCCCGCCGACCCCCAGCATCTCCACAGGTCCATG[C>A]GTGGCAGGCGTGGTGGGCCTCACCATGCCGCGGTACTGCCTGTTTGGGGACACGGTCAAC-3'

ClinVar aggregate classification (germline): Pathogenic/Likely pathogenic. Review status: criteria provided, multiple submitters, no conflicts (2 of 4 stars). 2 submissions from 2 submitters: Pathogenic (1); Likely pathogenic (1). Last evaluated 2023-07-10.

Conditions:
Leber congenital amaurosis 1 (LCA1). Also called: AMAUROSIS CONGENITA OF LEBER I; Congenital absence of the rods and cones; Leber's congenital tapetoretinal degeneration; Leber's congenital tapetoretinal dysplasia; RETINAL BLINDNESS, CONGENITAL. Identifiers: Orphanet 65, MedGen C2931258, MONDO:0008764, OMIM 204000.
Cone-rod dystrophy 6 (CORD6). Also called: RETINAL CONE DYSTROPHY 2; Cone dystrophy progressive. Identifiers: Orphanet 1872, MedGen C1866293, MONDO:0011143, OMIM 601777.

Allele frequency attached by ClinVar (database versions not stated): gnomAD exomes below 0.00001.
gnomAD v4.1: 1 of 1,607,938 alleles (0.000062%); highest among the groups gnomAD compares: South Asian, 0.0011%; no homozygotes.

Submissions (2):

Labcorp Genetics (formerly Invitae), Labcorp
Classification: Pathogenic for Leber congenital amaurosis 1; Cone-rod dystrophy 6. Last evaluated: 2023-07-10. Review status: criteria provided, single submitter. Criteria: Invitae Variant Classification Sherloc (09022015). Collection method: clinical testing. Allele origin: germline.
Comment: This variant is not present in population databases (gnomAD no frequency). This sequence change creates a premature translational stop signal (p.Cys984*) in the GUCY2D gene. It is expected to result in an absent or disrupted protein product. Loss-of-function variants in GUCY2D are known to be pathogenic (PMID: 10951519, 11328726). This variant has not been reported in the literature in individuals affected with GUCY2D-related conditions. For these reasons, this variant has been classified as Pathogenic.

Neuberg Centre For Genomic Medicine, NCGM
Classification: Likely pathogenic for Leber congenital amaurosis 1. Review status: criteria provided, single submitter. Criteria: ACMG Guidelines, 2015. Collection method: clinical testing. Allele origin: germline. Inheritance: Autosomal recessive inheritance. Affected: yes.
Comment: The variant c.2952C>A(p.Cys984Ter) in GUCY2D gene has not been reported previously as a pathogenic variant nor as a benign variant, to our knowledge. The p.Cys984Ter variant is novel (not in any individuals) in gnomAD Exomes and is novel (not in any individuals) in 1000 Genomes. This variant is predicted to cause loss of normal protein function through protein truncation. Loss of function variants have been previously reported to be disease causing. For these reasons, this variant has been classified as Likely Pathogenic.

Literature cited by the submitters: PubMed 10951519 (cited by Labcorp Genetics (formerly Invitae), Labcorp); PubMed 11328726 (cited by Labcorp Genetics (formerly Invitae), Labcorp).